The following is an entry in ClinVar:

ClinVar aggregate classification (germline): Uncertain significance. Review status: criteria provided, multiple submitters, no conflicts (2 of 4 stars). 2 submissions from 2 submitters: Uncertain significance (2). Last evaluated 2025-06-01.

Conditions:
Hypertrophic cardiomyopathy. Also called: HYPERTROPHIC MYOCARDIOPATHY. Identifiers: Orphanet 217569, MedGen C0007194, MeSH D002312, MONDO:0005045, HP:0001639.

Submissions (2):

Labcorp Genetics (formerly Invitae), Labcorp
Classification: Uncertain significance for Hypertrophic cardiomyopathy. Last evaluated: 2025-06-01. Review status: criteria provided, single submitter. Criteria: Invitae Variant Classification Sherloc (09022015). Collection method: clinical testing. Allele origin: germline.
Comment: This sequence change replaces lysine, which is basic and polar, with asparagine, which is neutral and polar, at codon 193 of the TNNI3 protein (p.Lys193Asn). This variant is not present in population databases (gnomAD no frequency). This missense change has been observed in individual(s) with hypertrophic cardiomyopathy (PMID: 27532257, 37652022; internal data). ClinVar contains an entry for this variant (Variation ID: 43396). An algorithm developed to predict the effect of missense changes on protein structure and function (PolyPhen-2) suggests that this variant is likely to be disruptive. In summary, the available evidence is currently insufficient to determine the role of this variant in disease. Therefore, it has been classified as a Variant of Uncertain Significance.

Laboratory for Molecular Medicine, Mass General Brigham Personalized Medicine
Classification: Uncertain significance. Last evaluated: 2012-04-06. Review status: criteria provided, single submitter. Criteria: LMM Criteria. Collection method: clinical testing. Allele origin: germline. Observed: 2 variant alleles.
Comment: Variant classified as Uncertain Significance - Favor Pathogenic. This low frequency is consistent with a pathogenic role. Computational analyses (biochemical amino acid properties, conservation, A lignGVGD, PolyPhen2, and SIFT) suggest that the Lys193Asn variant may impact the protein, though this information is not predictive enough to determine pathogen icity. Additional information is needed to fully assess the clinical significan ce of the Lys193Asn variant.

Literature cited by the submitters: PubMed 27532257 (cited by Labcorp Genetics (formerly Invitae), Labcorp); PubMed 37652022 (cited by Labcorp Genetics (formerly Invitae), Labcorp).

NM_000363.5(TNNI3):c.579G>C (p.Lys193Asn)

Gene: TNNI3 (troponin I3, cardiac type; minus strand). Cytogenetic location: 19q13.42.
Variant type: single nucleotide variant.
Coding change: c.579G>C on transcript NM_000363.5 (MANE Select); coding-DNA position 579, G replaced by C.
Protein change: p.Lys193Asn; replaces lysine 193 with asparagine.
Molecular consequence: missense variant.
Genome position (GRCh38, 1-based): chr19:55,151,888, C>G on the plus strand (G>C on the coding strand, the complement: TNNI3 is on the minus strand). VCF-style: chr19-55151888-C-G. GRCh37 (hg19) VCF-style: chr19-55663256-C-G.
Other names: short protein forms K193N.
Identifiers: ClinVar variation 43396 (VCV000043396.12), dbSNP rs397516358, ClinGen allele CA021983.